The following is an entry in ClinVar:

NM_001184900.3(CARD8):c.623C>T (p.Thr208Met)

Gene: CARD8 (caspase recruitment domain family member 8; minus strand). Cytogenetic location: 19q13.33.
Variant type: single nucleotide variant.
Coding change: c.623C>T on transcript NM_001184900.3 (MANE Select); coding-DNA position 623, C replaced by T.
Protein change: p.Thr208Met; replaces threonine 208 with methionine.
Molecular consequence: missense variant. On other transcripts: non-coding transcript variant (4).
Genome position (GRCh38, 1-based): chr19:48,230,926, G>A on the plus strand (C>T on the coding strand, the complement: CARD8 is on the minus strand). VCF-style: chr19-48230926-G-A. GRCh37 (hg19) VCF-style: chr19-48734183-G-A.
Other names: c.473C>T, p.Thr158Met (NM_001184901.1, NM_001351783.2, NM_001351788.2 and 2 more transcripts); c.623C>T, p.Thr208Met (NM_001184902.2, NM_001184903.1, NM_001351782.2); c.308C>T, p.Thr103Met (NM_001351784.2, NM_001351787.2, NM_001351791.2 and 2 more transcripts); c.287C>T, p.Thr96Met (NM_001351786.2); c.380C>T, p.Thr127Met (NM_001351790.2); c.623C>T (NM_001184900.1); short protein forms T103M, T127M, T158M, T208M, T96M.
Identifiers: ClinVar variation 1139317 (VCV001139317.11), dbSNP rs139343522, ClinGen allele CA9547964.
Genomic context (GRCh38, chr19:48,230,926, plus strand): 5'-CACTGTTCATGGTGCTGCAGGTCCAGGGCCAGGTGCTGACTCCAGGAACCAAACGCAATC[G>A]TCACTGTGACCTCATCCCTTACCAGGAAGCCGAGGCCTGTGGCTGACCACAGATACCAGC-3'
Protein context (NP_001171829.1, residues 198-218): GFLVRDEVTV[Thr208Met]IAFGSWSQHL

ClinVar aggregate classification (germline): Likely benign. Review status: criteria provided, single submitter (1 of 4 stars). 2 submissions from 2 submitters: Likely benign (1). 1 of the submissions does not count toward it. Last evaluated 2025-11-05.

Conditions:
CARD8-related disorder. Also called: CARD8-related condition.

Allele frequency attached by ClinVar (database versions not stated): gnomAD exomes 0.00030; ExAC 0.00037; ESP Exome Variant Server 0.00100; gnomAD 0.00118 and 0.00120; TOPMed 0.00121; 1000 Genomes Project 0.00220; 1000 Genomes Project 30x 0.00250.
gnomAD v4.1: 405 of 1,614,188 alleles (0.025%); highest among the groups gnomAD compares: African/African-American, 0.45%; 2 homozygotes.

Submissions (2):

Labcorp Genetics (formerly Invitae), Labcorp
Classification: Likely benign. Last evaluated: 2025-11-05. Review status: criteria provided, single submitter. Criteria: Invitae Variant Classification Sherloc (09022015). Collection method: clinical testing. Allele origin: germline.

PreventionGenetics, part of Exact Sciences
Classification: Likely benign for CARD8-related condition. Last evaluated: 2021-06-15. Review status: no assertion criteria provided. Collection method: clinical testing. Allele origin: germline. Not counted in ClinVar's aggregate classification.
Comment: This variant is classified as likely benign based on ACMG/AMP sequence variant interpretation guidelines (Richards et al. 2015 PMID: 25741868, with internal and published modifications).